The following is an entry in ClinVar:

NM_001376.5(DYNC1H1):c.4315T>G (p.Leu1439Val)

Gene: DYNC1H1 (dynein cytoplasmic 1 heavy chain 1; plus strand). Cytogenetic location: 14q32.31.
Variant type: single nucleotide variant.
Coding change: c.4315T>G on transcript NM_001376.5 (MANE Select); coding-DNA position 4315, T replaced by G.
Protein change: p.Leu1439Val; replaces leucine 1439 with valine.
Molecular consequence: missense variant.
Genome position (GRCh38, 1-based): chr14:102,001,274, T>G. VCF-style: chr14-102001274-T-G. GRCh37 (hg19) VCF-style: chr14-102467611-T-G.
Other names: short protein forms L1439V.
Identifiers: ClinVar variation 1462629 (VCV001462629.8), dbSNP rs2048127456, ClinGen allele CA391040723.

ClinVar aggregate classification (germline): Uncertain significance (1 of 4 stars; one submission).

Conditions:
Charcot-Marie-Tooth disease axonal type 2O. Also called: CHARCOT-MARIE-TOOTH NEUROPATHY, AXONAL, TYPE 2O; CHARCOT-MARIE-TOOTH DISEASE, AXONAL, AUTOSOMAL DOMINANT, TYPE 2O; Charcot-Marie-Tooth Neuropathy Type 2O; Charcot-Marie-Tooth disease, axonal, type 20. Identifiers: Orphanet 284232, MedGen C3280220, MONDO:0013644, OMIM 614228.

Submission:

Labcorp Genetics (formerly Invitae), Labcorp
Classification: Uncertain significance for Charcot-Marie-Tooth disease axonal type 2O. Last evaluated: 2021-02-09. Review status: criteria provided, single submitter. Criteria: Invitae Variant Classification Sherloc (09022015). Collection method: clinical testing. Allele origin: germline.
Comment: Algorithms developed to predict the effect of missense changes on protein structure and function are either unavailable or do not agree on the potential impact of this missense change (SIFT: "Tolerated"; PolyPhen-2: "Possibly Damaging"; Align-GVGD: "Class C0"). This variant is not present in population databases (ExAC no frequency). This sequence change replaces leucine with valine at codon 1439 of the DYNC1H1 protein (p.Leu1439Val). The leucine residue is highly conserved and there is a small physicochemical difference between leucine and valine. This variant has not been reported in the literature in individuals with DYNC1H1-related conditions. In summary, the available evidence is currently insufficient to determine the role of this variant in disease. Therefore, it has been classified as a Variant of Uncertain Significance.